The following is an entry in ClinVar:

ClinVar aggregate classification (germline): Conflicting classifications of pathogenicity. Review status: criteria provided, conflicting classifications (1 of 4 stars). 3 submissions from 3 submitters: Uncertain significance (1); Likely benign (1). 1 of the submissions does not count toward it. Last evaluated 2025-03-01.

Conditions:
ATXN2-related disorder. Also called: ATXN2-related condition.
Inborn genetic diseases. Identifiers: MedGen C0950123, MeSH D030342.

Allele frequency attached by ClinVar (database versions not stated): gnomAD exomes 0.00015; gnomAD 0.00043; 1000 Genomes Project 30x 0.00078.
gnomAD v4.1: 248 of 1,205,042 alleles (0.021%); highest among the groups gnomAD compares: Middle Eastern, 0.59%; 1 homozygote.

Submissions (3):

CeGaT Center for Human Genetics Tuebingen
Classification: Likely benign. Last evaluated: 2025-03-01. Review status: criteria provided, single submitter. Criteria: CeGaT Center For Human Genetics Tuebingen Variant Classification Criteria Version 2. Collection method: clinical testing. Allele origin: germline. Affected: yes. Observed: 3 variant alleles.
Comment: ATXN2: BS1

Ambry Genetics
Classification: Uncertain significance for Inborn genetic diseases. Last evaluated: 2021-07-13. Review status: criteria provided, single submitter. Criteria: Ambry Variant Classification Scheme 2023. Collection method: clinical testing. Allele origin: germline.

PreventionGenetics, part of Exact Sciences
Classification: Likely benign for ATXN2-related condition. Last evaluated: 2024-08-15. Review status: no assertion criteria provided. Collection method: clinical testing. Allele origin: germline. Not counted in ClinVar's aggregate classification.
Comment: This variant is classified as likely benign based on ACMG/AMP sequence variant interpretation guidelines (Richards et al. 2015 PMID: 25741868, with internal and published modifications).

NM_001372574.1(ATXN2):c.-141C>T

Genes: ATXN2 (ataxin 2; minus strand), LOC130008792 (ATAC-STARR-seq lymphoblastoid silent region 4873; plus strand). Cytogenetic location: 12q24.12.
Variant type: single nucleotide variant.
Coding change: c.-141C>T on transcript NM_001372574.1 (MANE Select); 141 bases upstream of the start codon, C replaced by T.
Molecular consequence: 5 prime UTR variant. On other transcripts: non-coding transcript variant (1), intron variant (2).
Genome position (GRCh38, 1-based): chr12:111,599,175, G>A on the plus strand (C>T on the coding strand, the complement: ATXN2 is on the minus strand). VCF-style: chr12-111599175-G-A. GRCh37 (hg19) VCF-style: chr12-112036979-G-A.
Other names: c.-141C>T (NM_002973.4); c.-28+400C>T (NM_001310123.1); c.-65+400C>T (NM_001310121.1).
Identifiers: ClinVar variation 2344137 (VCV002344137.26), dbSNP rs975981325, ClinGen allele CA243622352.